The following continues an entry in ClinVar:

NM_020975.6(RET):c.2556C>G (p.Ile852Met)

Gene: RET. ClinVar aggregate classification (germline): Conflicting classifications of pathogenicity. Uncertain significance (16); Likely benign (2).

Submissions 9 to 19 of 20:

Color Diagnostics, LLC DBA Color Health
Classification: Uncertain significance for Multiple endocrine neoplasia, type 2. Last evaluated: 2024-02-09. Review status: criteria provided, single submitter. Criteria: ACMG Guidelines, 2015. Collection method: clinical testing. Allele origin: germline.
Comment: This missense variant replaces isoleucine with methionine at codon 852 of the RET protein. Computational prediction is inconclusive regarding the impact of this variant on protein structure and function. A functional study reported moderate transforming ability and auto-phosphorylation for this variant in cell culture (PMID: 21711375). This variant has been reported in individuals affected with MEN2 (PMID: 24745698, 26876062, 27809725), medullary thyroid carcinoma (PMID: 11295841, 21711375, 27525386), non-small cell lung cancer (PMID: 26556299), or pituitary adenoma with paraganglioma (PMID: 31431315). However, additional carriers in two carrier families were primarily asymptomatic without reported C-cell hyperplasia, medullary thyroid cancer, pheochromocytoma, or paraganglioma (PMID: 11295841, 21711375). In two affected carriers, a germline or somatic pathogenic co-variant was identified that explained the disease phenotype (PMID: 26876062, 28578594). This variant has been identified in 49/282156 chromosomes in the general population by the Genome Aggregation Database (gnomAD). The available evidence is insufficient to determine the role of this variant in disease conclusively. Therefore, this variant is classified as a Variant of Uncertain Significance.

Baylor Genetics
Classification: Uncertain significance for Hirschsprung disease, susceptibility to, 1. Last evaluated: 2023-10-05. Review status: criteria provided, single submitter. Criteria: ACMG Guidelines, 2015. Collection method: clinical testing. Allele origin: unknown.

Women's Health and Genetics/Laboratory Corporation of America, LabCorp
Classification: Uncertain significance. Last evaluated: 2023-07-21. Review status: criteria provided, single submitter. Criteria: LabCorp Variant Classification Summary - May 2015. Collection method: clinical testing. Allele origin: germline.
Comment: Variant summary: RET c.2556C>G (p.Ile852Met) results in a conservative amino acid change located in the Protein kinase domain (IPR000719) of the encoded protein sequence. Three of five in-silico tools predict a damaging effect of the variant on protein function. The variant allele was found at a frequency of 0.00018 in 250818 control chromosomes. The observed variant frequency is approximately 5 fold of the estimated maximal expected allele frequency for a pathogenic variant in RET causing Multiple Endocrine Neoplasia Type 2 phenotype (3.7e-05), suggesting that the variant is either not highly penetrant or benign. c.2556C>G has been reported in the literature in multiple individuals affected with Multiple Endocrine Neoplasia Type 2/medullary thyroid carcinoma (e.g., Demeester_2001, Machens_2011, Castinetti_2014, Joshi_2016, Sherman_2016, Mathiesen_2017). However the variant was not found to clearly segregate with disease in several of the families reported in the literature (e.g., Demeester_2001, Machens_2011, Mathiesen_2017). Additionally, a co-occurrence with another pathogenic germline variant was reported (RET c.1901G>A, p.Cys634Tyr; Joshi_2016), and co-occurring somatic RET variants have been reported in several affected individuals (e.g., Sherman_2016, Mathiesen_2017), providing supporting evidence for a benign role. At least one publication reports experimental evidence evaluating an impact on protein function, finding that the variant leads to an increased proliferation rate and transforming potential, similar to a known pathogenic variant, as well as increased phosphorylation activity in vitro (e.g., Machens_2011). The following publications have been ascertained in the context of this evaluation (PMID: 24745698, 26876062, 21711375, 26556299, 27525386, 28578594, 11295841). Eight submitters have reported clinical-significance assessments for this variant to ClinVar after 2014: 7 submitters classified the variant as uncertain significance and 1 submitter classified the variant as likely benign. Based on the evidence outlined above, the variant was classified as VUS-possibly benign.

KCCC/NGS Laboratory, Kuwait Cancer Control Center
Classification: Uncertain significance for Multiple endocrine neoplasia type 2B. Last evaluated: 2023-07-07. Review status: criteria provided, single submitter. Criteria: ACMG Guidelines, 2015. Collection method: clinical testing. Allele origin: unknown. Affected: yes.
Comment: The p.I852M variant (also known as c.2556C>G) is in exon coding 14 of the RET gene. This variant results from a C to G substitution at nucleotide position 2556. The isoleucine at codon 852 is replaced by methionine, an amino acid with highly similar properties. This alteration has been reported in multiple individuals with personal and/or family history consistent with multiple endocrine neoplasia type 2 (MEN 2), but conversely has also been reported in many unaffected individuals (Demeester R et al. Hum. Mutat. 2001 Apr;17:354; Machens A et al. Clin. Endocrinol. (Oxf). 2011 Dec;75:801-5; Guerrero-P&eacute;rez F et al. Eur. J. Intern. Med., 2019 Nov;69:14-19; Internal Ambry Data). Machens A et al. performed functional analyses on cells transfected with the p.I852M variant, which revealed proliferation rates, transforming capacities, and migratory activities similar to cells with a known pathogenic mutation (RET p.V804M). This amino acid position is well conserved in available vertebrate species. In addition, the in-silico prediction for this alteration showed pathogenic computational verdict based on 8 pathogenic predictions from DANN, DEOGEN2, FATHMM-MKL, LIST-S2, M-CAP, MutationTaster, REVEL and SIFT vs 5 benign predictions from BayesDel_addAF, EIGEN, MVP, MutationAssessor and PrimateAI. There is a ClinVar entry for this variant with two stars and 5 submissions, all of which describe it as of uncertain significance.

Myriad Genetics, Inc.
Classification: Likely benign for Multiple endocrine neoplasia type 2A. Last evaluated: 2023-04-18. Review status: criteria provided, single submitter. Criteria: Myriad Autosomal Dominant, Autosomal Recessive and X-Linked Classification Criteria (2023). Collection method: clinical testing. Allele origin: unknown.
Comment: This variant is considered likely benign. This variant has been observed at a population frequency that is significantly greater than expected given the associated disease prevalence and penetrance.

Genetics and Molecular Pathology, SA Pathology
Classification: Uncertain significance for Multiple endocrine neoplasia, type 2. Last evaluated: 2022-05-26. Review status: criteria provided, single submitter. Criteria: ACMG Guidelines, 2015. Collection method: clinical testing. Allele origin: germline. Inheritance: Autosomal dominant inheritance. Affected: yes.
Comment: The heterozygous variant c.2556C>G detected in exon 14 of the RET gene is a missense change resulting in an amino acid substitution from an Isoleucine to a Methionine at codon 852, p.(Ile852Met). This variant occurs at a moderately conserved within the Protein kinase domain. This variant is recorded in ClinVar as of uncertain significance (twice) and pathogenic (once), but has not been reported in the LOVD database. This variant was identified in individuals with medullary thyroid cancer, however it is unclear whether it segregates with disease (Machens et al, Clin Endocrinol (Oxf) (2011) 75(6):801-5; Demeester et al, Hum Mutat (2001) 17(4):354). It has also been reported to co-segregate with a pathogenic RET variant (p.Cys634Tyr) in a family (a father and his 2 sons) with multiple endocrine neoplasia type 2A (MEN2A) (Joshi et al, Head Neck. (2016) 38 Suppl 1:E1881-5). In vitro studies show that this variant is weakly activating compared to known pathogenic variants (Machens et al, Clin Endocrinol (Oxf) (2011) 75(6):801-5). This variant is observed at allele frequencies less than 0.029% in population databases (ESP and gnomAD), indicating it is not a common benign variant in these populations. In silico protein prediction programs are inconsistent regarding the effect of this variant on protein structure and function. Based on current knowledge, this is an unclassified (Class 3) variant and predictive testing is not available.

Ambry Genetics
Classification: Likely benign for Hereditary cancer-predisposing syndrome. Last evaluated: 2022-03-29. Review status: criteria provided, single submitter. Criteria: Ambry Variant Classification Scheme 2023. Collection method: clinical testing. Allele origin: germline.

Genetic Services Laboratory, University of Chicago
Classification: Uncertain significance. Last evaluated: 2020-02-17. Review status: criteria provided, single submitter. Criteria: ACMG Guidelines, 2015. Collection method: clinical testing. Allele origin: germline. Affected: no.
Comment: DNA sequence analysis of the RET gene demonstrated a sequence change, c.2556C>G, in exon 14 that results in an amino acid change, p.Ile852Met. This sequence change has been described in the gnomAD database with a frequency of 0.03% in the European sub-population (dbSNP rs377767426). The p.Ile852Met change has been reported in several individuals with medullary thyroid cancer and lung cancer, and one individual with multiple endocrine neoplasia type 2 (PMID: 11295841, 21711375, 26556299, 28578594, 27525386, 24745698). The p.Ile852Met change affects a moderately conserved amino acid residue located in a domain of the RET protein that is known to be functional. In-silico pathogenicity prediction tools (SIFT, PolyPhen2, Align GVGD, REVEL) provide contradictory results for the p.Ile852Met substitution. In vitro functional studies have demonstrated that this sequence change may increase RET kinase activity (PMID: 21711375). Due to these contrasting evidences, the clinical significance of the p.Ile852Met change remains unknown at this time.

Equipe Genetique des Anomalies du Developpement, Université de Bourgogne
Classification: Uncertain significance for Multiple endocrine neoplasia type 2B. Last evaluated: 2018-11-21. Review status: criteria provided, single submitter. Criteria: ACMG Guidelines, 2015. Collection method: clinical testing. Allele origin: unknown.

Breakthrough Genomics
Classification: Uncertain significance. Review status: criteria provided, single submitter. Criteria: ACMG Guidelines, 2015. Collection method: not provided. Allele origin: germline. Inheritance: Autosomal dominant inheritance. Affected: yes.

Counsyl
Classification: Uncertain significance for Multiple endocrine neoplasia type 2A. Last evaluated: 2017-01-16. Review status: no assertion criteria provided. Collection method: clinical testing. Allele origin: unknown. Not counted in ClinVar's aggregate classification.